The following is an entry in ClinVar:

NM_000274.4(OAT):c.633T>G (p.Asp211Glu)

Gene: OAT (ornithine aminotransferase; minus strand). Cytogenetic location: 10q26.13.
Variant type: single nucleotide variant.
Coding change: c.633T>G on transcript NM_000274.4 (MANE Select); coding-DNA position 633, T replaced by G.
Protein change: p.Asp211Glu; replaces aspartic acid 211 with glutamic acid.
Molecular consequence: missense variant.
Genome position (GRCh38, 1-based): chr10:124,405,451, A>C on the plus strand (T>G on the coding strand, the complement: OAT is on the minus strand). VCF-style: chr10-124405451-A-C. GRCh37 (hg19) VCF-style: chr10-126094020-A-C.
Other names: c.219T>G, p.Asp73Glu (NM_001171814.2); c.633T>G, p.Asp211Glu (NM_001322965.2, NM_001322966.2, NM_001322967.2 and 3 more transcripts); c.312T>G, p.Asp104Glu (NM_001322971.2); c.33T>G, p.Asp11Glu (NM_001322974.2); short protein forms D73E, D11E, D211E, D104E.
Identifiers: ClinVar variation 943993 (VCV000943993.4), dbSNP rs755162030, ClinGen allele CA378636143.

ClinVar aggregate classification (germline): Uncertain significance (1 of 4 stars; one submission).

Conditions:
Ornithine aminotransferase deficiency (GACR). Also called: OAT DEFICIENCY; OKT DEFICIENCY; HYPERORNITHINEMIA WITH GYRATE ATROPHY OF CHOROID AND RETINA; Ornithine ketoacid aminotransferase deficiency; Gyrate atrophy; Gyrate atrophy of choroid and retina. Identifiers: Orphanet 414, MedGen C0018425, MONDO:0009796, OMIM 258870.

Allele frequency attached by ClinVar (database versions not stated): TOPMed below 0.00001; gnomAD 0.00001; gnomAD exomes 0.00001.
gnomAD v4.1: 9 of 1,614,002 alleles (0.00056%); highest among the groups gnomAD compares: Non-Finnish European, 0.00068%; no homozygotes.

Submission:

Labcorp Genetics (formerly Invitae), Labcorp
Classification: Uncertain significance for Ornithine aminotransferase deficiency. Last evaluated: 2021-08-26. Review status: criteria provided, single submitter. Criteria: Invitae Variant Classification Sherloc (09022015). Collection method: clinical testing. Allele origin: germline.
Comment: This sequence change replaces aspartic acid with glutamic acid at codon 211 of the OAT protein (p.Asp211Glu). The aspartic acid residue is moderately conserved and there is a small physicochemical difference between aspartic acid and glutamic acid. This variant is not present in population databases (ExAC no frequency). This variant has not been reported in the literature in individuals affected with OAT-related conditions. Algorithms developed to predict the effect of missense changes on protein structure and function are either unavailable or do not agree on the potential impact of this missense change (SIFT: "Tolerated"; PolyPhen-2: "Possibly Damaging"; Align-GVGD: "Class C0"). In summary, the available evidence is currently insufficient to determine the role of this variant in disease. Therefore, it has been classified as a Variant of Uncertain Significance.